The following is an entry in ClinVar:

NM_018124.4(RFWD3):c.1969+12_1969+209del

Gene: RFWD3 (ring finger and WD repeat domain 3; minus strand). Cytogenetic location: 16q23.1.
Variant type: Deletion.
Coding change: c.1969+12_1969+209del on transcript NM_018124.4 (MANE Select); bases 12 to 209 of the intron after coding-DNA position 1969, 198 bases deleted.
Molecular consequence: intron variant.
Genome position (GRCh38, 1-based): chr16:74,628,243-74,628,440, 198 bases deleted. GRCh37 (hg19): chr16:74,662,143-74,662,340.
Other names: c.1969+12_1969+209del (NM_001370534.1, NM_001370535.1); c.1135+12_1135+209del (NM_001370539.1, NM_001370537.1, NM_001370543.1 and 2 more transcripts); c.1792+12_1792+209del (NM_001370536.1).
Identifiers: ClinVar variation 3663462 (VCV003663462.2).

ClinVar aggregate classification (germline): Uncertain significance (1 of 4 stars; one submission).

Submission:

Labcorp Genetics (formerly Invitae), Labcorp
Classification: Uncertain significance. Last evaluated: 2024-08-26. Review status: criteria provided, single submitter. Criteria: Invitae Variant Classification Sherloc (09022015). Collection method: clinical testing. Allele origin: germline.
Comment: This sequence change falls in intron 11 of the RFWD3 gene. It does not directly change the encoded amino acid sequence of the RFWD3 protein. This variant is not present in population databases (gnomAD no frequency). This variant has not been reported in the literature in individuals affected with RFWD3-related conditions. Experimental studies and prediction algorithms are not available or were not evaluated, and the effect of this variant on mRNA splicing is currently unknown. In summary, the available evidence is currently insufficient to determine the role of this variant in disease. Therefore, it has been classified as a Variant of Uncertain Significance.